The following is an entry in ClinVar:

NM_002075.4(GNB3):c.56C>T (p.Ala19Val)

Gene: GNB3 (G protein subunit beta 3; plus strand). Cytogenetic location: 12p13.31.
Variant type: single nucleotide variant.
Coding change: c.56C>T on transcript NM_002075.4 (MANE Select); coding-DNA position 56, C replaced by T.
Protein change: p.Ala19Val; replaces alanine 19 with valine.
Molecular consequence: missense variant.
Genome position (GRCh38, 1-based): chr12:6,841,343, C>T. VCF-style: chr12-6841343-C-T. GRCh37 (hg19) VCF-style: chr12-6950507-C-T.
Other names: c.56C>T, p.Ala19Val (NM_001297571.2); short protein forms A19V.
Identifiers: ClinVar variation 1007682 (VCV001007682.9), dbSNP rs201491226, ClinGen allele CA6417340.

ClinVar aggregate classification (germline): Uncertain significance (1 of 4 stars; one submission).

Allele frequency attached by ClinVar (database versions not stated): gnomAD exomes 0.00002; ExAC 0.00003; TOPMed 0.00003; gnomAD 0.00004 and 0.00005; 1000 Genomes Project 30x 0.00016; 1000 Genomes Project 0.00020.

Submission:

Labcorp Genetics (formerly Invitae), Labcorp
Classification: Uncertain significance. Last evaluated: 2022-08-15. Review status: criteria provided, single submitter. Criteria: Invitae Variant Classification Sherloc (09022015). Collection method: clinical testing. Allele origin: germline.
Comment: ClinVar contains an entry for this variant (Variation ID: 1007682). This variant has not been reported in the literature in individuals affected with GNB3-related conditions. This variant is present in population databases (rs201491226, gnomAD 0.003%). Algorithms developed to predict the effect of missense changes on protein structure and function (SIFT, PolyPhen-2, Align-GVGD) all suggest that this variant is likely to be tolerated. Algorithms developed to predict the effect of sequence changes on RNA splicing suggest that this variant may create or strengthen a splice site. In summary, the available evidence is currently insufficient to determine the role of this variant in disease. Therefore, it has been classified as a Variant of Uncertain Significance. This sequence change replaces alanine, which is neutral and non-polar, with valine, which is neutral and non-polar, at codon 19 of the GNB3 protein (p.Ala19Val).